The following is an entry in ClinVar:

NM_005994.4(TBX2):c.2051C>T (p.Ala684Val)

Gene: TBX2 (T-box transcription factor 2; plus strand). Cytogenetic location: 17q23.2.
Variant type: single nucleotide variant.
Coding change: c.2051C>T on transcript NM_005994.4 (MANE Select); coding-DNA position 2051, C replaced by T.
Protein change: p.Ala684Val; replaces alanine 684 with valine.
Molecular consequence: missense variant.
Genome position (GRCh38, 1-based): chr17:61,408,418, C>T. VCF-style: chr17-61408418-C-T. GRCh37 (hg19) VCF-style: chr17-59485779-C-T.
Other names: short protein forms A684V.
Identifiers: ClinVar variation 1299441 (VCV001299441.4), dbSNP rs1304331917, ClinGen allele CA400477492.

ClinVar aggregate classification (germline): Uncertain significance (1 of 4 stars; one submission).

Submission:

Illumina Laboratory Services, Illumina
Classification: Uncertain significance. Last evaluated: 2020-04-28. Review status: criteria provided, single submitter. Criteria: ICSLVariantClassificationCriteria RUGD 01 April 2020. Collection method: clinical testing. Allele origin: unknown.
Comment: The TBX2 c.2051C>T (p.Ala684Val) variant is a missense variant. A literature search was performed for the gene, cDNA change, and amino acid change. No publications were found through this search. This variant is reported on at least one allele in the Total population of the Genome Aggregation Database, suggesting it is rare. It is not located within a known functional domain of the protein, and in silico tools differ in their predictions of its functional effect. Based on the available evidence, the p.Ala684Val variant is classified as a variant of uncertain significance.